The following is an entry in ClinVar:

ClinVar aggregate classification (germline): Likely benign. Review status: criteria provided, multiple submitters, no conflicts (2 of 4 stars). 2 submissions from 2 submitters: Likely benign (2). Last evaluated 2025-11-27.

Conditions:
Episodic ataxia type 2 (EA2). Also called: ACETAZOLAMIDE-RESPONSIVE HEREDITARY PAROXYSMAL CEREBELLAR ATAXIA; EPISODIC ATAXIA, NYSTAGMUS-ASSOCIATED; ATAXIA, EPISODIC, WITH NYSTAGMUS; ATAXIA, FAMILIAL PAROXYSMAL; CEREBELLAR ATAXIA, PAROXYSMAL, ACETAZOLAMIDE-RESPONSIVE; CEREBELLOPATHY, HEREDITARY PAROXYSMAL. Identifiers: Orphanet 97, MedGen C1720416, MONDO:0007163, OMIM 108500.
Developmental and epileptic encephalopathy, 42 (DEE42A). Also called: Epileptic encephalopathy, early infantile, 42; DEVELOPMENTAL AND EPILEPTIC ENCEPHALOPATHY 42A; EPILEPTIC ENCEPHALOPATHY, EARLY INFANTILE, 42A. Identifiers: MedGen C4310716, MONDO:0014917, OMIM 617106.

Allele frequency attached by ClinVar (database versions not stated): TOPMed below 0.00001; gnomAD 0.00001; ExAC 0.00002.
gnomAD v4.1: 4 of 1,604,132 alleles (0.00025%); highest among the groups gnomAD compares: Non-Finnish European, 0.00034%; no homozygotes.

Submissions (2):

Labcorp Genetics (formerly Invitae), Labcorp
Classification: Likely benign for Developmental and epileptic encephalopathy, 42; Episodic ataxia type 2. Last evaluated: 2025-11-27. Review status: criteria provided, single submitter. Criteria: Invitae Variant Classification Sherloc (09022015). Collection method: clinical testing. Allele origin: germline.

CeGaT Center for Human Genetics Tuebingen
Classification: Likely benign. Last evaluated: 2022-05-01. Review status: criteria provided, single submitter. Criteria: CeGaT Center For Human Genetics Tuebingen Variant Classification Criteria Version 2. Collection method: clinical testing. Allele origin: germline. Affected: yes. Observed: 1 variant allele.
Comment: CACNA1A: BP4, BP7

NM_001127222.2(CACNA1A):c.2580A>G (p.Lys860=)

Gene: CACNA1A (calcium voltage-gated channel subunit alpha1 A; minus strand). Cytogenetic location: 19p13.13.
Variant type: single nucleotide variant.
Coding change: c.2580A>G on transcript NM_001127222.2 (MANE Select); coding-DNA position 2580, A replaced by G.
Protein change: p.Lys860=; no amino-acid change (lysine 860 retained).
Molecular consequence: synonymous variant.
Genome position (GRCh38, 1-based): chr19:13,299,053, T>C on the plus strand (A>G on the coding strand, the complement: CACNA1A is on the minus strand). VCF-style: chr19-13299053-T-C. GRCh37 (hg19) VCF-style: chr19-13409867-T-C.
Other names: c.2592A>G, p.Lys864= (NM_000068.4, NM_023035.3); c.2583A>G, p.Lys861= (NM_001127221.2, NM_001174080.2).
Identifiers: ClinVar variation 1919243 (VCV001919243.29), dbSNP rs756814895, ClinGen allele CA9240528.